The following is an entry in ClinVar:

ClinVar aggregate classification (germline): Benign. Review status: criteria provided, multiple submitters, no conflicts (2 of 4 stars). 2 submissions from 2 submitters: Benign (2). Last evaluated 2018-06-16.

Allele frequency attached by ClinVar (database versions not stated): gnomAD 0.13393 and 0.13560; TOPMed 0.14539; 1000 Genomes Project 0.18930; 1000 Genomes Project 30x 0.19176.
gnomAD v4.1: 68,452 of 574,094 alleles (12%); highest among the groups gnomAD compares: East Asian, 23%; 4,791 homozygotes.

Submissions (23):

GeneDx
Classification: Benign. Last evaluated: 2018-06-16. Review status: criteria provided, single submitter. Criteria: GeneDx Variant Classification (06012015). Collection method: clinical testing. Allele origin: germline. Affected: yes.
Comment: This variant is considered likely benign or benign based on one or more of the following criteria: it is a conservative change, it occurs at a poorly conserved position in the protein, it is predicted to be benign by multiple in silico algorithms, and/or has population frequency not consistent with disease.

Breakthrough Genomics
Classification: Benign. Review status: criteria provided, single submitter. Criteria: ACMG Guidelines, 2015. Collection method: not provided. Allele origin: germline. Inheritance: Autosomal dominant inheritance. Affected: yes.

Dr. Peter K. Rogan Lab, Western University
No classification provided (evidence only). Condition: Acute myeloid leukemia. Review status: no classification provided. Collection method: in vitro. Allele origin: not applicable. Functional consequence: retained intron. Not counted in ClinVar's aggregate classification.

Dr. Peter K. Rogan Lab, Western University
No classification provided (evidence only). Condition: Acute myeloid leukemia. Review status: no classification provided. Collection method: in vitro. Allele origin: not applicable. Functional consequence: retained intron. Not counted in ClinVar's aggregate classification.

Dr. Peter K. Rogan Lab, Western University
No classification provided (evidence only). Condition: Acute myeloid leukemia. Review status: no classification provided. Collection method: in vitro. Allele origin: not applicable. Functional consequence: retained intron. Not counted in ClinVar's aggregate classification.

Dr. Peter K. Rogan Lab, Western University
No classification provided (evidence only). Condition: Acute myeloid leukemia. Review status: no classification provided. Collection method: in vitro. Allele origin: not applicable. Functional consequence: retained intron. Not counted in ClinVar's aggregate classification.

Dr. Peter K. Rogan Lab, Western University
No classification provided (evidence only). Condition: Acute myeloid leukemia. Review status: no classification provided. Collection method: in vitro. Allele origin: not applicable. Functional consequence: retained intron. Not counted in ClinVar's aggregate classification.

Dr. Peter K. Rogan Lab, Western University
No classification provided (evidence only). Condition: Malignant lymphoma, large B-cell, diffuse. Review status: no classification provided. Collection method: in vitro. Allele origin: not applicable. Functional consequence: retained intron. Not counted in ClinVar's aggregate classification.

Dr. Peter K. Rogan Lab, Western University
No classification provided (evidence only). Condition: Malignant lymphoma, large B-cell, diffuse. Review status: no classification provided. Collection method: in vitro. Allele origin: not applicable. Functional consequence: retained intron. Not counted in ClinVar's aggregate classification.

Dr. Peter K. Rogan Lab, Western University
No classification provided (evidence only). Condition: Gastric cancer. Review status: no classification provided. Collection method: in vitro. Allele origin: not applicable. Functional consequence: retained intron. Not counted in ClinVar's aggregate classification.

Dr. Peter K. Rogan Lab, Western University
No classification provided (evidence only). Condition: Chronic lymphocytic leukemia/small lymphocytic lymphoma. Review status: no classification provided. Collection method: in vitro. Allele origin: not applicable. Functional consequence: retained intron. Not counted in ClinVar's aggregate classification.

Dr. Peter K. Rogan Lab, Western University
No classification provided (evidence only). Condition: Chronic lymphocytic leukemia/small lymphocytic lymphoma. Review status: no classification provided. Collection method: in vitro. Allele origin: not applicable. Functional consequence: retained intron. Not counted in ClinVar's aggregate classification.

Dr. Peter K. Rogan Lab, Western University
No classification provided (evidence only). Condition: Chronic lymphocytic leukemia/small lymphocytic lymphoma. Review status: no classification provided. Collection method: in vitro. Allele origin: not applicable. Functional consequence: retained intron. Not counted in ClinVar's aggregate classification.

Dr. Peter K. Rogan Lab, Western University
No classification provided (evidence only). Condition: Chronic lymphocytic leukemia/small lymphocytic lymphoma. Review status: no classification provided. Collection method: in vitro. Allele origin: not applicable. Functional consequence: retained intron. Not counted in ClinVar's aggregate classification.

Dr. Peter K. Rogan Lab, Western University
No classification provided (evidence only). Condition: Nonpapillary renal cell carcinoma. Review status: no classification provided. Collection method: in vitro. Allele origin: not applicable. Functional consequence: retained intron. Not counted in ClinVar's aggregate classification.

Dr. Peter K. Rogan Lab, Western University
No classification provided (evidence only). Condition: Nonpapillary renal cell carcinoma. Review status: no classification provided. Collection method: in vitro. Allele origin: not applicable. Functional consequence: retained intron. Not counted in ClinVar's aggregate classification.

Dr. Peter K. Rogan Lab, Western University
No classification provided (evidence only). Condition: Nonpapillary renal cell carcinoma. Review status: no classification provided. Collection method: in vitro. Allele origin: not applicable. Functional consequence: retained intron. Not counted in ClinVar's aggregate classification.

Dr. Peter K. Rogan Lab, Western University
No classification provided (evidence only). Condition: Familial pancreatic carcinoma. Review status: no classification provided. Collection method: in vitro. Allele origin: not applicable. Functional consequence: retained intron. Not counted in ClinVar's aggregate classification.

Dr. Peter K. Rogan Lab, Western University
No classification provided (evidence only). Condition: Familial pancreatic carcinoma. Review status: no classification provided. Collection method: in vitro. Allele origin: not applicable. Functional consequence: retained intron. Not counted in ClinVar's aggregate classification.

Dr. Peter K. Rogan Lab, Western University
No classification provided (evidence only). Condition: Familial pancreatic carcinoma. Review status: no classification provided. Collection method: in vitro. Allele origin: not applicable. Functional consequence: retained intron. Not counted in ClinVar's aggregate classification.

Dr. Peter K. Rogan Lab, Western University
No classification provided (evidence only). Condition: Familial pancreatic carcinoma. Review status: no classification provided. Collection method: in vitro. Allele origin: not applicable. Functional consequence: retained intron. Not counted in ClinVar's aggregate classification.

Dr. Peter K. Rogan Lab, Western University
No classification provided (evidence only). Condition: Lymphoma. Review status: no classification provided. Collection method: in vitro. Allele origin: not applicable. Functional consequence: retained intron. Not counted in ClinVar's aggregate classification.

Dr. Peter K. Rogan Lab, Western University
No classification provided (evidence only). Condition: Ovarian cancer. Review status: no classification provided. Collection method: in vitro. Allele origin: not applicable. Functional consequence: retained intron. Not counted in ClinVar's aggregate classification.

NM_001098511.3(KIF2A):c.1646+121C>T

Gene: KIF2A (kinesin family member 2A; plus strand). Cytogenetic location: 5q12.1.
Variant type: single nucleotide variant.
Coding change: c.1646+121C>T on transcript NM_001098511.3 (MANE Select); 121 bases into the intron after coding-DNA position 1646, C replaced by T.
Molecular consequence: intron variant.
Genome position (GRCh38, 1-based): chr5:62,366,602, C>T. VCF-style: chr5-62366602-C-T. GRCh37 (hg19) VCF-style: chr5-61662429-C-T.
Other names: NC_000005.9:g.61662429C>T; c.1565+121C>T (NM_001243952.2); c.1646+121C>T (NM_004520.5); c.1589+121C>T (NM_001243953.2).
Identifiers: ClinVar variation 682880 (VCV000682880.3), dbSNP rs12519766, ClinGen allele CA12027463.
Genomic context (GRCh38, chr5:62,366,602, plus strand): 5'-TTAATATCTGCCTCGTGCGGTGGCTCACGCCTGTAATCCTAGCACTTTGGGAGGCCCAGG[C>T]GGGCGGATCACAAGGTCAGGAGATCGAGATTATCCTGGCTAACATGGTGAAACCCCGTCT-3'